The following is an entry in ClinVar:

NM_000504.4(F10):c.57G>A (p.Leu19=)

Gene: F10 (coagulation factor X; plus strand). Cytogenetic location: 13q34.
Variant type: single nucleotide variant.
Coding change: c.57G>A on transcript NM_000504.4 (MANE Select); coding-DNA position 57, G replaced by A.
Protein change: p.Leu19=; no amino-acid change (leucine 19 retained).
Molecular consequence: synonymous variant.
Genome position (GRCh38, 1-based): chr13:113,122,912, G>A. VCF-style: chr13-113122912-G-A. GRCh37 (hg19) VCF-style: chr13-113777226-G-A.
Other names: c.57G>A, p.Leu19= (NM_001312674.2, NM_001312675.2); c.57G>A (LRG_548t1).
Identifiers: ClinVar variation 311268 (VCV000311268.27), dbSNP rs370154986, ClinGen allele CA7060317.

ClinVar aggregate classification (germline): Conflicting classifications of pathogenicity. Review status: criteria provided, conflicting classifications (1 of 4 stars). 4 submissions from 4 submitters: Uncertain significance (1); Likely benign (3). Last evaluated 2024-10-29.

Conditions:
Hereditary factor X deficiency disease. Also called: Congenital factor X deficiency; STUART-PROWER FACTOR DEFICIENCY. Identifiers: Orphanet 328, MedGen C0272327, MONDO:0009212, OMIM 227600.

Allele frequency attached by ClinVar (database versions not stated): gnomAD 0.00019 and 0.00021; ExAC 0.00020; gnomAD exomes 0.00021; ESP Exome Variant Server 0.00023; TOPMed 0.00037.
gnomAD v4.1: 506 of 1,610,154 alleles (0.031%); highest among the groups gnomAD compares: Middle Eastern, 0.05%; no homozygotes.

Submissions (4):

Blueprint Genetics
Classification: Likely benign. Last evaluated: 2024-10-29. Review status: criteria provided, single submitter. Criteria: ACMG Guidelines, 2015. Collection method: clinical testing. Allele origin: germline.

CeGaT Center for Human Genetics Tuebingen
Classification: Likely benign. Last evaluated: 2024-06-01. Review status: criteria provided, single submitter. Criteria: CeGaT Center For Human Genetics Tuebingen Variant Classification Criteria Version 2. Collection method: clinical testing. Allele origin: germline. Affected: yes. Observed: 1 variant allele.
Comment: F10: BP4, BP7

Labcorp Genetics (formerly Invitae), Labcorp
Classification: Likely benign. Last evaluated: 2018-05-31. Review status: criteria provided, single submitter. Criteria: Invitae Variant Classification Sherloc (09022015). Collection method: clinical testing. Allele origin: germline.

Illumina Laboratory Services, Illumina
Classification: Uncertain significance for Hereditary factor X deficiency disease. Last evaluated: 2018-01-13. Review status: criteria provided, single submitter. Criteria: ICSL Variant Classification Criteria 13 December 2019. Collection method: clinical testing. Allele origin: germline.